The following is an entry in ClinVar:

NM_020778.5(ALPK3):c.4093+2T>C

Gene: ALPK3 (alpha kinase 3; plus strand). Cytogenetic location: 15q25.3.
Variant type: single nucleotide variant.
Coding change: c.4093+2T>C on transcript NM_020778.5 (MANE Select); the canonical splice donor site of the intron after coding-DNA position 4093, T replaced by C.
Molecular consequence: splice donor variant.
Genome position (GRCh38, 1-based): chr15:84,859,905, T>C. VCF-style: chr15-84859905-T-C. GRCh37 (hg19) VCF-style: chr15-85403136-T-C.
Identifiers: ClinVar variation 2862597 (VCV002862597.3), dbSNP rs1596157044, ClinGen allele CA393362122.
Genomic context (GRCh38, chr15:84,859,905, plus strand): 5'-GTGCACCATCCACAATGAGCACGGCTCGGCCTCCACCGACTTCTGCCTCAGCCCTGAGGG[T>C]GAGTGTGCCCCGCGGCCCGGGGTCTCAGCCTGGCCTGGCTCCTGGTGGGTGGGCAGCAGT-3'

ClinVar aggregate classification (germline): Likely pathogenic (1 of 4 stars; one submission).

Submission:

Labcorp Genetics (formerly Invitae), Labcorp
Classification: Likely pathogenic. Last evaluated: 2023-07-25. Review status: criteria provided, single submitter. Criteria: Invitae Variant Classification Sherloc (09022015). Collection method: clinical testing. Allele origin: germline.
Comment: In summary, the currently available evidence indicates that the variant is pathogenic, but additional data are needed to prove that conclusively. Therefore, this variant has been classified as Likely Pathogenic. Algorithms developed to predict the effect of sequence changes on RNA splicing suggest that this variant may disrupt the consensus splice site. This variant has not been reported in the literature in individuals affected with ALPK3-related conditions. This variant is not present in population databases (gnomAD no frequency). This sequence change affects a donor splice site in intron 8 of the ALPK3 gene. It is expected to disrupt RNA splicing. Variants that disrupt the donor or acceptor splice site typically lead to a loss of protein function (PMID: 16199547), and loss-of-function variants in ALPK3 are known to be pathogenic (PMID: 21441111, 26846950, 27106955, 34263907).

Literature cited by the submitters: PubMed 16199547; PubMed 21441111; PubMed 26846950; PubMed 27106955; PubMed 34263907.